The following is an entry in ClinVar:

NM_001170629.2(CHD8):c.3514A>G (p.Arg1172Gly)

Gene: CHD8 (chromodomain helicase DNA binding protein 8; minus strand). Cytogenetic location: 14q11.2.
Variant type: single nucleotide variant.
Coding change: c.3514A>G on transcript NM_001170629.2 (MANE Select); coding-DNA position 3514, A replaced by G.
Protein change: p.Arg1172Gly; replaces arginine 1172 with glycine.
Molecular consequence: missense variant.
Genome position (GRCh38, 1-based): chr14:21,403,457, T>C on the plus strand (A>G on the coding strand, the complement: CHD8 is on the minus strand). VCF-style: chr14-21403457-T-C. GRCh37 (hg19) VCF-style: chr14-21871616-T-C.
Other names: c.2677A>G, p.Arg893Gly (NM_020920.4); short protein forms R1172G, R893G.
Identifiers: ClinVar variation 2498590 (VCV002498590.28), dbSNP rs2501902884, ClinGen allele CA388900669.
Genomic context (GRCh38, chr14:21,403,457, plus strand): 5'-TTTTTGCTGCTTTATGAGGACAGAGTAACCACAGGCTAGGATGACTCTTTTCTTACCTCC[T>C]CTGGATTAAATAATCCTCTAGGATGTCTAGGCAGCGCACCATCTGAGAGAAGATCAGAAC-3'
Protein context (NP_001164100.1, residues 1162-1182): LDILEDYLIQ[Arg1172Gly]RYLYERIDGR

ClinVar aggregate classification (germline): Uncertain significance (1 of 4 stars; one submission).

Submission:

CeGaT Center for Human Genetics Tuebingen
Classification: Uncertain significance. Last evaluated: 2023-03-01. Review status: criteria provided, single submitter. Criteria: CeGaT Center For Human Genetics Tuebingen Variant Classification Criteria Version 2. Collection method: clinical testing. Allele origin: germline. Affected: yes. Observed: 2 variant alleles.
Comment: CHD8: PM2, PP2